The following is an entry in ClinVar:

ClinVar aggregate classification (germline): Uncertain significance (1 of 4 stars; one submission).

Submission:

GeneDx
Classification: Uncertain significance. Last evaluated: 2025-08-13. Review status: criteria provided, single submitter. Criteria: GeneDx Variant Classification Process June 2021. Collection method: clinical testing. Allele origin: germline. Affected: yes.
Comment: Not observed at significant frequency in large population cohorts (gnomAD); In silico analysis supports that this missense variant has a deleterious effect on protein structure/function; Has not been previously published as pathogenic or benign to our knowledge

NM_032043.3(BRIP1):c.942T>A (p.His314Gln)

Gene: BRIP1 (BRCA1 interacting DNA helicase 1; minus strand). Cytogenetic location: 17q23.2.
Variant type: single nucleotide variant.
Coding change: c.942T>A on transcript NM_032043.3 (MANE Select); coding-DNA position 942, T replaced by A.
Protein change: p.His314Gln; replaces histidine 314 with glutamine.
Molecular consequence: missense variant.
Genome position (GRCh38, 1-based): chr17:61,801,451, A>T on the plus strand (T>A on the coding strand, the complement: BRIP1 is on the minus strand). VCF-style: chr17-61801451-A-T. GRCh37 (hg19) VCF-style: chr17-59878812-A-T.
Other names: short protein forms H314Q.
Identifiers: ClinVar variation 4795575 (VCV004795575.1).